The following is an entry in ClinVar:

ClinVar aggregate classification (germline): Uncertain significance (1 of 4 stars; one submission).

Submission:

Labcorp Genetics (formerly Invitae), Labcorp
Classification: Uncertain significance. Last evaluated: 2025-12-08. Review status: criteria provided, single submitter. Criteria: Invitae Variant Classification Sherloc (09022015). Collection method: clinical testing. Allele origin: germline.
Comment: This sequence change falls in intron 27 of the POLE gene. It does not directly change the encoded amino acid sequence of the POLE protein. RNA analysis indicates that this variant induces altered splicing and may result in an absent or altered protein product. This variant is not present in population databases (gnomAD no frequency). This variant has not been reported in the literature in individuals affected with POLE-related conditions. Variants that disrupt the consensus splice site are a relatively common cause of aberrant splicing (PMID: 17576681, 9536098). Studies have shown that this variant results in activation of a cryptic splice site, and produces a non-functional protein and/or introduces a premature termination codon (internal data). In summary, the available evidence is currently insufficient to determine the role of this variant in disease. Therefore, it has been classified as a Variant of Uncertain Significance.

Literature cited by the submitters: PubMed 17576681; PubMed 9536098.

NM_006231.4(POLE):c.3378+5G>A

Gene: POLE (DNA polymerase epsilon, catalytic subunit; minus strand). Cytogenetic location: 12q24.33.
Variant type: single nucleotide variant.
Coding change: c.3378+5G>A on transcript NM_006231.4 (MANE Select); 5 bases into the intron after coding-DNA position 3378, G replaced by A.
Molecular consequence: intron variant.
Genome position (GRCh38, 1-based): chr12:132,657,863, C>T on the plus strand (G>A on the coding strand, the complement: POLE is on the minus strand). VCF-style: chr12-132657863-C-T. GRCh37 (hg19) VCF-style: chr12-133234449-C-T.
Identifiers: ClinVar variation 4781755 (VCV004781755.1).